The following is an entry in ClinVar:

NM_005618.4(DLL1):c.461C>T (p.Thr154Met)

Gene: DLL1 (delta like canonical Notch ligand 1; minus strand). Cytogenetic location: 6q27.
Variant type: single nucleotide variant.
Coding change: c.461C>T on transcript NM_005618.4 (MANE Select); coding-DNA position 461, C replaced by T.
Protein change: p.Thr154Met; replaces threonine 154 with methionine.
Molecular consequence: missense variant.
Genome position (GRCh38, 1-based): chr6:170,288,448, G>A on the plus strand (C>T on the coding strand, the complement: DLL1 is on the minus strand). VCF-style: chr6-170288448-G-A. GRCh37 (hg19) VCF-style: chr6-170597536-G-A.
Other names: short protein forms T154M.
Identifiers: ClinVar variation 2871372 (VCV002871372.3), dbSNP rs1783756131, ClinGen allele CA366509520.

ClinVar aggregate classification (germline): Uncertain significance (1 of 4 stars; one submission).

Allele frequency attached by ClinVar (database versions not stated): TOPMed below 0.00001.
gnomAD v4.1: 9 of 1,614,102 alleles (0.00056%); highest among the groups gnomAD compares: South Asian, 0.0011%; no homozygotes.

Submission:

Labcorp Genetics (formerly Invitae), Labcorp
Classification: Uncertain significance. Last evaluated: 2023-08-30. Review status: criteria provided, single submitter. Criteria: Invitae Variant Classification Sherloc (09022015). Collection method: clinical testing. Allele origin: germline.
Comment: In summary, the available evidence is currently insufficient to determine the role of this variant in disease. Therefore, it has been classified as a Variant of Uncertain Significance. An algorithm developed to predict the effect of missense changes on protein structure and function (PolyPhen-2) suggests that this variant is likely to be disruptive. This variant has not been reported in the literature in individuals affected with DLL1-related conditions. This variant is not present in population databases (gnomAD no frequency). This sequence change replaces threonine, which is neutral and polar, with methionine, which is neutral and non-polar, at codon 154 of the DLL1 protein (p.Thr154Met).